The following is an entry in ClinVar:

ClinVar aggregate classification (germline): Likely pathogenic (1 of 4 stars; one submission).

Conditions:
IFT80-related disorder. Also called: IFT80-related condition.

Submission:

PreventionGenetics, part of Exact Sciences
Classification: Likely pathogenic for IFT80-related condition. Last evaluated: 2026-08-24. Review status: criteria provided, single submitter. Criteria: ACMG Guidelines, 2015. Collection method: clinical testing. Allele origin: germline.
Comment: The IFT80 c.1037_1038delAC variant is predicted to result in a frameshift and premature protein termination (p.His346Leufs*24). To our knowledge, this variant has not been reported in the literature or in a large population database (gnomAD), indicating this variant is rare. Frameshift variants in IFT80 are expected to be pathogenic. This variant is interpreted as likely pathogenic.

NM_020800.3(IFT80):c.1037_1038del (p.His346fs)

Genes: IFT80 (intraflagellar transport 80; minus strand), TRIM59-IFT80 (TRIM59-IFT80 readthrough (NMD candidate); minus strand). Cytogenetic location: 3q25.33.
Variant type: Microsatellite.
Coding change: c.1037_1038del on transcript NM_020800.3 (MANE Select); coding-DNA positions 1037 to 1038, 2 bases deleted (AC; older notation c.1037_1038delAC).
Protein change: p.His346fs; shifts the reading frame from histidine 346.
Molecular consequence: frameshift variant. On other transcripts: non-coding transcript variant (3).
Genome position (GRCh38, 1-based): chr3:160,307,701-160,307,702, GT deleted on the plus strand (AC on the coding strand, the reverse complement: IFT80 is on the minus strand); deleting any 2 consecutive bases within chr3:160,307,701-160,307,705 gives the same sequence; the c. name uses the placement nearest the transcript's 3' end. VCF-style (leftmost placement, unchanged base first): chr3-160307700-AGT-A. GRCh37 (hg19) VCF-style: chr3-160025488-AGT-A.
Other names: c.626_627del, p.His209fs (NM_001190241.2, NM_001190242.2); short protein forms H209fs, H346fs.
Identifiers: ClinVar variation 4992799 (VCV004992799.1).